The following is an entry in ClinVar:

NM_000090.4(COL3A1):c.1250G>A (p.Gly417Glu)

Gene: COL3A1 (collagen type III alpha 1 chain; plus strand). Cytogenetic location: 2q32.2.
Variant type: single nucleotide variant.
Coding change: c.1250G>A on transcript NM_000090.4 (MANE Select); coding-DNA position 1250, G replaced by A.
Protein change: p.Gly417Glu; replaces glycine 417 with glutamic acid.
Molecular consequence: missense variant.
Genome position (GRCh38, 1-based): chr2:188,994,289, G>A. VCF-style: chr2-188994289-G-A. GRCh37 (hg19) VCF-style: chr2-189859015-G-A.
Other names: short protein forms G417E.
Identifiers: ClinVar variation 5016709 (VCV005016709.1).

ClinVar aggregate classification (germline): Pathogenic (1 of 4 stars; one submission).

Submission:

GeneDx
Classification: Pathogenic. Last evaluated: 2026-03-26. Review status: criteria provided, single submitter. Criteria: GeneDx Variant Classification Process June 2021. Collection method: clinical testing. Allele origin: germline.
Comment: Reported in a patient with vascular Ehlers-Danlos syndrome in published literature (PMID: 30474650); Occurs in the triple helical domain and replaces the glycine in the canonical Gly-X-Y repeat; missense substitution of a canonical glycine residue is expected to disrupt normal protein folding and function, and this is an established mechanism of disease (HGMD); In silico analysis supports that this missense variant has a deleterious effect on protein structure/function; Not observed at significant frequency in large population cohorts (gnomAD); This variant is associated with the following publications: (PMID: 30474650)